The following is an entry in ClinVar:

ClinVar aggregate classification (germline): Uncertain significance (1 of 4 stars; one submission).

gnomAD v4.1: 4 of 1,613,640 alleles (0.00025%); highest among the groups gnomAD compares: South Asian, 0.0011%; no homozygotes.

Submission:

Labcorp Genetics (formerly Invitae), Labcorp
Classification: Uncertain significance. Last evaluated: 2025-12-01. Review status: criteria provided, single submitter. Criteria: Invitae Variant Classification Sherloc (09022015). Collection method: clinical testing. Allele origin: germline.
Comment: This sequence change replaces histidine, which is basic and polar, with tyrosine, which is neutral and polar, at codon 350 of the TNNI3K protein (p.His350Tyr). This variant is present in population databases (no rsID available, gnomAD 0.003%). This variant has not been reported in the literature in individuals affected with TNNI3K-related conditions. Invitae Evidence Modeling of protein sequence and biophysical properties (such as structural, functional, and spatial information, amino acid conservation, physicochemical variation, residue mobility, and thermodynamic stability) indicates that this missense variant is not expected to disrupt TNNI3K protein function with a negative predictive value of 80%. In summary, the available evidence is currently insufficient to determine the role of this variant in disease. Therefore, it has been classified as a Variant of Uncertain Significance.

NM_015978.3(TNNI3K):c.1048C>T (p.His350Tyr)

Genes: TNNI3K (TNNI3 interacting kinase; plus strand), FPGT-TNNI3K (FPGT-TNNI3K readthrough; plus strand). Cytogenetic location: 1p31.1.
Variant type: single nucleotide variant.
Coding change: c.1048C>T on transcript NM_015978.3 (MANE Select); coding-DNA position 1048, C replaced by T.
Protein change: p.His350Tyr; replaces histidine 350 with tyrosine.
Molecular consequence: missense variant.
Genome position (GRCh38, 1-based): chr1:74,354,000, C>T. VCF-style: chr1-74354000-C-T. GRCh37 (hg19) VCF-style: chr1-74819684-C-T.
Other names: c.1351C>T, p.His451Tyr (NM_001112808.3, NM_001199327.2); short protein forms H350Y, H451Y.
Identifiers: ClinVar variation 4755253 (VCV004755253.1).